The following is an entry in ClinVar:

NM_002471.4(MYH6):c.3979-14C>T

Gene: MYH6 (myosin heavy chain 6; minus strand). Cytogenetic location: 14q11.2.
Variant type: single nucleotide variant.
Coding change: c.3979-14C>T on transcript NM_002471.4 (MANE Select); 14 bases into the intron before coding-DNA position 3979, C replaced by T.
Molecular consequence: intron variant.
Genome position (GRCh38, 1-based): chr14:23,389,069, G>A on the plus strand (C>T on the coding strand, the complement: MYH6 is on the minus strand). VCF-style: chr14-23389069-G-A. GRCh37 (hg19) VCF-style: chr14-23858278-G-A.
Identifiers: ClinVar variation 518050 (VCV000518050.9), dbSNP rs372226248, ClinGen allele CA7114989.

ClinVar aggregate classification (germline): Likely benign. Review status: criteria provided, multiple submitters, no conflicts (2 of 4 stars). 3 submissions from 3 submitters: Likely benign (3). Last evaluated 2025-11-25.

Conditions:
Hypertrophic cardiomyopathy 14. Identifiers: MedGen C2750467, MONDO:0013197, OMIM 613251.

Allele frequency attached by ClinVar (database versions not stated): TOPMed 0.00004.

Submissions (3):

Labcorp Genetics (formerly Invitae), Labcorp
Classification: Likely benign for Hypertrophic cardiomyopathy 14. Last evaluated: 2025-11-25. Review status: criteria provided, single submitter. Criteria: Invitae Variant Classification Sherloc (09022015). Collection method: clinical testing. Allele origin: germline.

Blueprint Genetics
Classification: Likely benign. Last evaluated: 2024-07-29. Review status: criteria provided, single submitter. Criteria: ACMG Guidelines, 2015. Collection method: clinical testing. Allele origin: germline.

GeneDx
Classification: Likely benign. Last evaluated: 2017-06-19. Review status: criteria provided, single submitter. Criteria: GeneDx Variant Classification (06012015). Collection method: clinical testing. Allele origin: germline. Affected: yes.
Comment: This variant is considered likely benign or benign based on one or more of the following criteria: it is a conservative change, it occurs at a poorly conserved position in the protein, it is predicted to be benign by multiple in silico algorithms, and/or has population frequency not consistent with disease.